The following is an entry in ClinVar:

ClinVar aggregate classification (germline): Pathogenic. Review status: criteria provided, multiple submitters, no conflicts (2 of 4 stars). 10 submissions from 10 submitters: Pathogenic (8). 2 of the submissions do not count toward it. Last evaluated 2025-10-10.

Conditions:
FOXL2-related disorders.
BLEPHAROPHIMOSIS, PTOSIS, AND EPICANTHUS INVERSUS, TYPE I. Also called: BPES I; BPES with ovarian failure; Blepharophimosis, ptosis, and epicanthus inversus syndrome type 1; Blepharophimosis syndrome type 1. Identifiers: MedGen C2931135.
Blepharophimosis, ptosis, and epicanthus inversus syndrome. Identifiers: Orphanet 126, MedGen C0220663, MONDO:0007201, OMIM 110100.

Submissions (10):

Division of Genetic & Genomic Pathology, Hong Kong Children's Hospital
Classification: Pathogenic for Blepharophimosis, ptosis, and epicanthus inversus syndrome. Last evaluated: 2025-10-10. Review status: criteria provided, single submitter. Criteria: ACMG Guidelines, 2015. Collection method: clinical testing. Allele origin: germline. Affected: yes.
Comment: The frameshift duplication FOXL2 c.855_871dup is located in exon 1 of 1 of the FOXL2 gene. It is predicted to introduce a premature stop codon in a gene where loss of function is known to cause disease. The variant is absent from population control databases (gnomAD v2.1.1 and v4.1.0). The variant has been reported in multiple patients with BPES (PMID: 36338666, 32454486, 11776388; ClinVar accession: VCV000004866.10). For these reasons, FOXL2 c.855_871dup p.(His291Argfs*71) is classified as pathogenic.

Labcorp Genetics (formerly Invitae), Labcorp
Classification: Pathogenic. Last evaluated: 2025-05-25. Review status: criteria provided, single submitter. Criteria: Invitae Variant Classification Sherloc (09022015). Collection method: clinical testing. Allele origin: germline.
Comment: This sequence change creates a premature translational stop signal (p.His291Argfs*71) in the FOXL2 gene. While this is not anticipated to result in nonsense mediated decay, it is expected to disrupt the last 86 amino acid(s) of the FOXL2 protein. The frequency data for this variant in the population databases is considered unreliable, as metrics indicate insufficient coverage at this position in the gnomAD database. This premature translational stop signal has been observed in individuals with blepharophimosis-ptosis-epicanthus inversus syndrome (PMID: 11175783, 28849110, 31048069). It has also been observed to segregate with disease in related individuals. This variant is also known as 1092_1108dup and c.844_860dup17. ClinVar contains an entry for this variant (Variation ID: 4866). For these reasons, this variant has been classified as Pathogenic.

Laboratory of Medical Genetics, National & Kapodistrian University of Athens
Classification: Pathogenic for Blepharophimosis, ptosis, and epicanthus inversus syndrome. Last evaluated: 2024-04-18. Review status: criteria provided, single submitter. Criteria: ACMG Guidelines, 2015. Collection method: clinical testing. Allele origin: germline. Affected: yes.
Comment: PVS1, PS4, PM2 - The variant has been reported in ClinVar as Pathogenic by other laboratories (Variation ID 4866). This variant has been previously reported as causative (PMID:31048069).

Blueprint Genetics
Classification: Pathogenic for FOXL2-related disorders. Last evaluated: 2023-12-05. Review status: criteria provided, single submitter. Criteria: ACMG Guidelines, 2015. Collection method: clinical testing. Allele origin: germline. Affected: yes. Observed: 4 variant alleles.

GeneDx
Classification: Pathogenic. Last evaluated: 2023-06-29. Review status: criteria provided, single submitter. Criteria: GeneDx Variant Classification Process June 2021. Collection method: clinical testing. Allele origin: germline. Affected: yes.
Comment: Reported previously, using alternate nomenclature of 1092-1108dup17 or c.844_860dup17, in multiple individuals from at least two families affected with blepharophimosis, ptosis, epicanthus inversus syndrome (Crisponi et al., 2001; Yang et al., 2017).; Frameshift variant predicted to result in protein truncation in a gene for which loss of function is a known mechanism of disease; Not observed at significant frequency in large population cohorts (gnomAD); This variant is associated with the following publications: (PMID: 28849110, 31048069, 31077882, 32454486, 20184535, 11776388, 12938087, 36338666, 11175783)

Wessex Regional Genetics Laboratory, Salisbury District Hospital
Classification: Pathogenic for Blepharophimosis, ptosis, and epicanthus inversus syndrome. Last evaluated: 2018-01-01. Review status: criteria provided, single submitter. Criteria: ACMG Guidelines, 2015. Collection method: clinical testing. Allele origin: unknown, de novo, paternal. Inheritance: Autosomal dominant inheritance. Affected: yes. Observed: 12 variant alleles.

Genomic Diagnostic Laboratory, Division of Genomic Diagnostics, Children's Hospital of Philadelphia
Classification: Pathogenic for Blepharophimosis, ptosis, and epicanthus inversus syndrome. Last evaluated: 2016-11-03. Review status: criteria provided, single submitter. Criteria: DGD Variant Analysis Guidelines. Collection method: clinical testing. Allele origin: germline. Affected: yes. Observed: 10 variant alleles.
Comment: Clinical Testing

Juno Genomics, Hangzhou Juno Genomics, Inc
Classification: Pathogenic for Blepharophimosis, ptosis, and epicanthus inversus syndrome. Review status: criteria provided, single submitter. Criteria: ACMG Guidelines, 2015. Collection method: clinical testing. Allele origin: germline. Affected: yes.
Comment: Null variant in a gene where loss of function (LOF) is a known mechanism of disease.;Absent from controls (or at extremely low frequency if recessive) in Genome Aggregation Database, Exome Sequencing Project, 1000 Genomes Project, or Exome Aggregation Consortium.;The prevalence of the variant in affected individuals is significantly increased compared to the prevalence in controls.;Co-segregation with disease in multiple affected family members in a gene definitively known to cause the disease.;Patient's phenotype or family history is highly specific for a disease with a single genetic etiology.;De novo (both maternity and paternity confirmed) in a patient with the disease and no family history.

OMIM
Classification: Pathogenic for BLEPHAROPHIMOSIS, PTOSIS, AND EPICANTHUS INVERSUS, TYPE I. Last evaluated: 2003-09-01. Review status: no assertion criteria provided. Collection method: literature only. Allele origin: germline. Not counted in ClinVar's aggregate classification.

GeneReviews
No classification provided. Condition: Blepharophimosis, ptosis, and epicanthus inversus syndrome. Review status: no classification provided. Collection method: literature only. Allele origin: germline. Affected: yes. Not counted in ClinVar's aggregate classification.

Literature cited by the submitters: PubMed 36338666 (cited by Division of Genetic & Genomic Pathology, Hong Kong Children's Hospital); PubMed 32454486 (cited by Division of Genetic & Genomic Pathology, Hong Kong Children's Hospital); PubMed 11776388 (cited by Division of Genetic & Genomic Pathology, Hong Kong Children's Hospital and OMIM); PubMed 11175783 (cited by Labcorp Genetics (formerly Invitae), Labcorp and OMIM); PubMed 28849110 (cited by Labcorp Genetics (formerly Invitae), Labcorp); PubMed 31048069 (cited by Labcorp Genetics (formerly Invitae), Labcorp); PubMed 12938087 (cited by OMIM); NCBI Bookshelf NBK1441 (cited by GeneReviews).

NM_023067.4(FOXL2):c.855_871dup (p.His291fs)

Gene: FOXL2 (forkhead box L2; minus strand). Cytogenetic location: 3q22.3.
Variant type: Duplication.
Coding change: c.855_871dup on transcript NM_023067.4 (MANE Select); coding-DNA positions 855 to 871, 17 bases duplicated (GCCTCCGCCGCACCCCC).
Protein change: p.His291fs; shifts the reading frame from histidine 291.
Molecular consequence: frameshift variant.
Genome position (GRCh38, 1-based): chr3:138,945,852-138,945,868, GGGGGTGCGGCGGAGGC duplicated on the plus strand (GCCTCCGCCGCACCCCC on the coding strand, the reverse complement: FOXL2 is on the minus strand); duplicating any 17 consecutive bases within chr3:138,945,852-138,945,879 gives the same sequence; the c. name uses the placement nearest the transcript's 3' end. VCF-style (leftmost placement, unchanged base first): chr3-138945851-T-TGGGGGTGCGGCGGAGGC. GRCh37 (hg19) VCF-style: chr3-138664693-T-TGGGGGTGCGGCGGAGGC.
Other names: short protein forms H291fs.
Identifiers: ClinVar variation 4866 (VCV000004866.14), dbSNP rs797044532, ClinGen allele CA212820.